The following is an entry in ClinVar:

NM_000062.3(SERPING1):c.178del (p.Leu60fs)

Gene: SERPING1 (serpin family G member 1; plus strand). Cytogenetic location: 11q12.1.
Variant type: Deletion.
Coding change: c.178del on transcript NM_000062.3 (MANE Select); coding-DNA position 178, one base deleted (C; older notation c.178delC).
Protein change: p.Leu60fs; shifts the reading frame from leucine 60.
Molecular consequence: frameshift variant.
Genome position (GRCh38, 1-based): chr11:57,600,005, C deleted; the last of 2 consecutive C bases (chr11:57,600,004-57,600,005); deleting either gives the same sequence. VCF-style (leftmost placement, unchanged base first): chr11-57600003-TC-T. GRCh37 (hg19) VCF-style: chr11-57367476-TC-T.
Other names: c.178del, p.Leu60fs (NM_001032295.2); short protein forms L60fs.
Identifiers: ClinVar variation 4710763 (VCV004710763.1).
Genomic context (GRCh38, chr11:57,600,003, plus strand): 5'-ACAGAGGCGAAGGGAAGGTCGCAACAACAGTTATCTCCAAGATGCTATTCGTTGAACCCA[TC>T]CTGGAGGTTTCCAGCTTGCCGACAACCAACTCAACAACCAATTCAGCCACCAAAATAACA-3'

ClinVar aggregate classification (germline): Pathogenic (1 of 4 stars; one submission).

Submission:

Labcorp Genetics (formerly Invitae), Labcorp
Classification: Pathogenic. Last evaluated: 2026-02-01. Review status: criteria provided, single submitter. Criteria: Invitae Variant Classification Sherloc (09022015). Collection method: clinical testing. Allele origin: germline.
Comment: This sequence change creates a premature translational stop signal (p.Leu60Trpfs*19) in the SERPING1 gene. It is expected to result in an absent or disrupted protein product. Loss-of-function variants in SERPING1 are known to be pathogenic (PMID: 11112899, 24456027). This variant is not present in population databases (gnomAD no frequency). This premature translational stop signal has been observed in individual(s) with hereditary angioedema type I (PMID: 31517426). For these reasons, this variant has been classified as Pathogenic.

Literature cited by the submitters: PubMed 11112899; PubMed 24456027; PubMed 31517426.